The following is an entry in ClinVar:

ClinVar aggregate classification (germline): Pathogenic (1 of 4 stars; one submission).

Submission:

Labcorp Genetics (formerly Invitae), Labcorp
Classification: Pathogenic. Last evaluated: 2023-12-10. Review status: criteria provided, single submitter. Criteria: Invitae Variant Classification Sherloc (09022015). Collection method: clinical testing. Allele origin: unknown.
Comment: A gross deletion of the genomic region encompassing the full coding sequence of the AVPR2 gene has been identified. Loss-of-function variants in AVPR2 are known to be pathogenic (PMID: 8037205, 10820168). The boundaries of this event are unknown as they extend beyond the assayed region for this gene and therefore may encompass additional genes. A similar copy number variant has been observed in individual(s) with congenital nephrogenic diabetes insipidus (PMID: 8766937, 11754100, 17550212, 18489790, 22879391, 23150186). For these reasons, this variant has been classified as Pathogenic.

Literature cited by the submitters: PubMed 8037205; PubMed 10820168; PubMed 8766937; PubMed 11754100; PubMed 17550212; PubMed 18489790; PubMed 22879391; PubMed 23150186.

NC_000023.10:g.(?_153170600)_(153172182_?)del

Gene: AVPR2 (arginine vasopressin receptor 2; plus strand). Cytogenetic location: Xq28.
Variant type: Deletion.
Identifiers: ClinVar variation 3245690 (VCV003245690.1).